The following is an entry in ClinVar:

ClinVar aggregate classification (germline): Pathogenic. Review status: criteria provided, multiple submitters, no conflicts (2 of 4 stars). 8 submissions from 8 submitters: Pathogenic (8). Last evaluated 2026-07-01.

Conditions:
Glycogen storage disease, type II (IOPD). Also called: Glucosidase acid-1,4-alpha deficiency; Glycogen storage disease type 2; Acid maltase deficiency disease; Aglucosidase alfa; Deficiency of alpha-glucosidase; Deficiency of lysosomal alpha-glucosidase. Identifiers: Orphanet 365, MedGen C0017921, MONDO:0009290, OMIM 232300.

Submissions (8):

Genomenon, Inc
Classification: Pathogenic for Glycogen storage disease, type II. Last evaluated: 2026-07-01. Review status: criteria provided, single submitter. Criteria: Genomenon Sequence Variant Interpretation Standards - Updated. Collection method: curation. Allele origin: germline. Affected: yes.
Comment: GAA c.546+2_546+5del is a deletion that affects the donor splice site of intron 2. It is predicted to affect mRNA splicing, leading to a deleterious effect on the GAA protein. This variant has been observed in at least one proband with a GAA-related disorder (PMID:38250073;33741225;31086307;25741864;23430560). At least one splicing study has demonstrated that this variant results in aberrant splicing (PMID:31301153). It is absent or not present at a significant frequency in gnomAD. In conclusion, we classify GAA c.546+2_546+5del as a pathogenic variant.

Revvity Omics, Revvity
Classification: Pathogenic. Last evaluated: 2025-06-16. Review status: criteria provided, single submitter. Criteria: ACMG Guidelines, 2015. Collection method: clinical testing. Allele origin: germline.

Natera, Inc.
Classification: Pathogenic for Glycogen storage disease type II. Last evaluated: 2025-05-09. Review status: criteria provided, single submitter. Criteria: Natera Variant Classification Schema (03/2026). Collection method: clinical testing. Allele origin: germline.
Comment: The c.546+2_546+5delTGGG variant in GAA is a canonical splice donor site variant predicted to affect pre-mRNA splicing, which may result in an abnormal transcript and altered protein product. This variant is expected to result in nonsense mediated decay, truncation, or a dysfunctional protein product. This variant is rare in the general population with a frequency below the threshold expected for the associated phenotype(s). This variant has been observed in one or more individuals affected with the associated recessive disease, as either homozygous or compound heterozygous with a second variant (PMID: 29122469, 33741225). Additionally, this variant has been observed to segregate in affected family members (PMID: 29122469). Given the available evidence, this variant is classified as Pathogenic.

Women's Health and Genetics/Laboratory Corporation of America, LabCorp
Classification: Pathogenic for Glycogen storage disease, type II. Last evaluated: 2024-10-10. Review status: criteria provided, single submitter. Criteria: LabCorp Variant Classification Summary - May 2015. Collection method: clinical testing. Allele origin: germline.
Comment: Variant summary: GAA c.546+2_546+5delTGGG is located in a canonical splice-site and is predicted to affect mRNA splicing resulting in a significantly altered protein due to either exon skipping, shortening, or inclusion of intronic material. Variants that disrupt the consensus splice site are a relatively common cause of aberrant splicing and loss of GAA function. Several computational tools predict a significant impact on normal splicing: Three predict the variant abolishes a 5' splicing donor site. One predict the variant no significant impact on splicing. At least one publication reports experimental evidence that this variant affects mRNA splicing by causing exon 2 skipping and production of full length protein (Goina_2019). The variant allele was found at a frequency of 4.2e-06 in 236756 control chromosomes. c.546+2_546+5delTGGG has been reported in the literature in compound heterozygous individuals and a homozygous individual affected with Glycogen Storage Disease, Type 2 (Pompe Disease) (Kishnani_2019, Zhou_2023). These data indicate that the variant is very likely to be associated with disease. The following publications have been ascertained in the context of this evaluation (PMID: 22252923, 31301153, 31086307, 31254424, 33741225). ClinVar contains an entry for this variant (Variation ID: 982296). Based on the evidence outlined above, the variant was classified as pathogenic.

GeneDx
Classification: Pathogenic. Last evaluated: 2024-10-07. Review status: criteria provided, single submitter. Criteria: GeneDx Variant Classification Process June 2021. Collection method: clinical testing. Allele origin: germline. Affected: yes.
Comment: Not observed at significant frequency in large population cohorts (gnomAD); Canonical splice site variant predicted to result in a null allele in a gene for which loss of function is a known mechanism of disease (PMID: 31301153); This variant is associated with the following publications: (PMID: 31301153, 22252923, 31086307, 29122469, 23430560, 33741225, 31254424)

Labcorp Genetics (formerly Invitae), Labcorp
Classification: Pathogenic for Glycogen storage disease, type II. Last evaluated: 2024-09-30. Review status: criteria provided, single submitter. Criteria: Invitae Variant Classification Sherloc (09022015). Collection method: clinical testing. Allele origin: germline.
Comment: This sequence change affects a splice site in intron 2 of the GAA gene. RNA analysis indicates that disruption of this splice site induces altered splicing and is likely to result in the loss of the initiator methionine. This variant is present in population databases (no rsID available, gnomAD 0.001%). Disruption of this splice site has been observed in individual(s) with Pompe disease (PMID: 22252923, 23430560, 33741225). ClinVar contains an entry for this variant (Variation ID: 982296). Studies have shown that disruption of this splice site results in skipping of exon 2, and is expected to result in the loss of the initiator methionine (PMID: 31301153). For these reasons, this variant has been classified as Pathogenic.

Mayo Clinic Laboratories, Mayo Clinic
Classification: Pathogenic. Last evaluated: 2023-05-22. Review status: criteria provided, single submitter. Criteria: ACMG Guidelines, 2015. Collection method: clinical testing. Allele origin: germline. Observed: 1 variant allele.
Comment: PP4, PM2, PM3, PS3, PVS1

Institute of Medical Genetics and Genomics, Sir Ganga Ram Hospital
Classification: Pathogenic for Glycogen storage disease, type II. Last evaluated: 2020-10-15. Review status: criteria provided, single submitter. Criteria: ACMG Guidelines, 2015. Collection method: clinical testing. Allele origin: germline. Inheritance: Autosomal recessive inheritance. Affected: yes. Observed: 1 homozygote.
Comment: The c. 546+2_ 546+5del splice site variant in intron 2 has been reported by Bali et al 2012 PMID: 22252923

Literature cited by the submitters: PubMed 38250073 (cited by Genomenon, Inc); PubMed 33741225 (cited by 5 submitters); PubMed 31086307 (cited by 3 submitters); PubMed 25741864 (cited by Genomenon, Inc); PubMed 23430560 (cited by 3 submitters); PubMed 31301153 (cited by 4 submitters); PubMed 29122469 (cited by Natera, Inc. and Mayo Clinic Laboratories, Mayo Clinic); PubMed 22252923 (cited by 3 submitters); PubMed 31254424 (cited by Women's Health and Genetics/Laboratory Corporation of America, LabCorp and Mayo Clinic Laboratories, Mayo Clinic).

NM_000152.5(GAA):c.546+2_546+5del

Gene: GAA (alpha glucosidase; plus strand). Cytogenetic location: 17q25.3.
Variant type: Deletion.
Coding change: c.546+2_546+5del on transcript NM_000152.5 (MANE Select); the canonical splice donor site of the intron after coding-DNA position 546 through 5 bases into the intron after coding-DNA position 546, 4 bases deleted (TGGG; older notation c.546+2_546+5delTGGG).
Molecular consequence: splice donor variant.
Genome position (GRCh38, 1-based): chr17:80,105,134-80,105,137, TGGG deleted; deleting any 4 consecutive bases within chr17:80,105,132-80,105,137 gives the same sequence; the c. name uses the placement nearest the transcript's 3' end. VCF-style (leftmost placement, unchanged base first): chr17-80105131-CGGTG-C. GRCh37 (hg19) VCF-style: chr17-78078930-CGGTG-C.
Other names: c.546+2_546+5delTGGG (NM_000152.5, NM_000152.4); c.546+2_546+5del (NM_001079803.3, NM_001079804.3).
Identifiers: ClinVar variation 982296 (VCV000982296.15), dbSNP rs1181354869, ClinGen allele CA502402612.
Genomic context (GRCh38, chr17:80,105,131, plus strand): 5'-AGGACATCCTGACCCTGCGGCTGGACGTGATGATGGAGACTGAGAACCGCCTCCACTTCA[CGGTG>C]GGCAGGGCAGGGGCGGGGGCGGCGGCCAGGGCAGAGGGTGCGCGTGGACATCGACACCCA-3'